The following is an entry in ClinVar:

ClinVar aggregate classification (germline): Likely pathogenic (1 of 4 stars; one submission).

Submission:

Labcorp Genetics (formerly Invitae), Labcorp
Classification: Likely pathogenic. Last evaluated: 2022-11-29. Review status: criteria provided, single submitter. Criteria: Invitae Variant Classification Sherloc (09022015). Collection method: clinical testing. Allele origin: germline.
Comment: This sequence change affects a donor splice site in intron 10 of the GNPAT gene. It is expected to disrupt RNA splicing. Variants that disrupt the donor or acceptor splice site typically lead to a loss of protein function (PMID: 16199547), and loss-of-function variants in GNPAT are known to be pathogenic (PMID: 9536089, 21990100). This variant is not present in population databases (gnomAD no frequency). This variant has not been reported in the literature in individuals affected with GNPAT-related conditions. ClinVar contains an entry for this variant (Variation ID: 1349149). Algorithms developed to predict the effect of sequence changes on RNA splicing suggest that this variant may disrupt the consensus splice site. In summary, the currently available evidence indicates that the variant is pathogenic, but additional data are needed to prove that conclusively. Therefore, this variant has been classified as Likely Pathogenic.

Literature cited by the submitters: PubMed 16199547; PubMed 9536089; PubMed 21990100.

NM_014236.4(GNPAT):c.1522+2T>G

Gene: GNPAT (glyceronephosphate O-acyltransferase; plus strand). Cytogenetic location: 1q42.2.
Variant type: single nucleotide variant.
Coding change: c.1522+2T>G on transcript NM_014236.4 (MANE Select); the canonical splice donor site of the intron after coding-DNA position 1522, T replaced by G.
Molecular consequence: splice donor variant.
Genome position (GRCh38, 1-based): chr1:231,271,002, T>G. VCF-style: chr1-231271002-T-G. GRCh37 (hg19) VCF-style: chr1-231406748-T-G.
Other names: c.1339+2T>G (NM_001316350.2).
Identifiers: ClinVar variation 1349149 (VCV001349149.8), dbSNP rs2102823618, ClinGen allele CA345237689.
Genomic context (GRCh38, chr1:231,271,002, plus strand): 5'-TTTTGTGCGCCCATCCTTAGTAGCAGTAGCATTGCAGATGACACCAGGGTTCAGGAAAGG[T>G]AATTTTCAGGAATGCAATCTTGACTTTTAGAAGAGGTCTGGCCATTCCATTCCATTTAGG-3'